The following is an entry in ClinVar:

ClinVar aggregate classification (germline): Benign/Likely benign. Review status: criteria provided, multiple submitters, no conflicts (2 of 4 stars). 6 submissions from 6 submitters: Benign (2); Likely benign (2). 2 of the submissions do not count toward it. Last evaluated 2026-01-19.

Conditions:
Brain small vessel disease 2A, autosomal dominant. Also called: Porencephaly 2. Identifiers: Orphanet 2940, Orphanet 99810, MedGen C3280970, MONDO:0013773, OMIM 614483.

Allele frequency attached by ClinVar (database versions not stated): gnomAD 0.00153 and 0.00155; TOPMed 0.00162; gnomAD exomes 0.00201 and 0.00272; ESP Exome Variant Server 0.00216; ExAC 0.00223; 1000 Genomes Project 0.00080; 1000 Genomes Project 30x 0.00094.
gnomAD v4.1: 4,141 of 1,603,782 alleles (0.26%); highest among the groups gnomAD compares: South Asian, 0.52%; 12 homozygotes.

Submissions (6):

Labcorp Genetics (formerly Invitae), Labcorp
Classification: Benign. Last evaluated: 2026-01-19. Review status: criteria provided, single submitter. Criteria: Invitae Variant Classification Sherloc (09022015). Collection method: clinical testing. Allele origin: germline.

CeGaT Center for Human Genetics Tuebingen
Classification: Likely benign. Last evaluated: 2026-01-01. Review status: criteria provided, single submitter. Criteria: CeGaT Center For Human Genetics Tuebingen Variant Classification Criteria Version 2. Collection method: clinical testing. Allele origin: germline. Affected: yes. Observed: 5 variant alleles.
Comment: COL4A2: BP4, BS1

Blueprint Genetics
Classification: Likely benign. Last evaluated: 2024-11-12. Review status: criteria provided, single submitter. Criteria: ACMG Guidelines, 2015. Collection method: clinical testing. Allele origin: germline.

Illumina Laboratory Services, Illumina
Classification: Benign for Brain small vessel disease 2A, autosomal dominant. Last evaluated: 2018-01-13. Review status: criteria provided, single submitter. Criteria: ICSL Variant Classification Criteria 13 December 2019. Collection method: clinical testing. Allele origin: germline.
Comment: This variant was observed in the ICSL laboratory as part of a predisposition screen in an ostensibly healthy population. It had not been previously curated by ICSL or reported in the Human Gene Mutation Database (HGMD: prior to June 1st, 2018), and was therefore a candidate for classification through an automated scoring system. Utilizing variant allele frequency, disease prevalence and penetrance estimates, and inheritance mode, an automated score was calculated to assess if this variant is too frequent to cause the disease. Based on the score and internal cut-off values, a variant classified as benign is not then subjected to further curation. The score for this variant resulted in a classification of benign for this disease.

Clinical Genetics DNA and cytogenetics Diagnostics Lab, Erasmus MC, Erasmus Medical Center
Classification: Benign. Review status: no assertion criteria provided. Collection method: clinical testing. Allele origin: germline. Affected: yes. Study: VKGL Data-share Consensus. Not counted in ClinVar's aggregate classification.

Laboratory of Diagnostic Genome Analysis, Leiden University Medical Center (LUMC)
Classification: Likely benign. Review status: no assertion criteria provided. Collection method: clinical testing. Allele origin: germline. Affected: yes. Study: VKGL Data-share Consensus. Not counted in ClinVar's aggregate classification.

NM_001846.4(COL4A2):c.3346+7A>G

Gene: COL4A2 (collagen type IV alpha 2 chain; plus strand). Cytogenetic location: 13q34.
Variant type: single nucleotide variant.
Coding change: c.3346+7A>G on transcript NM_001846.4 (MANE Select); 7 bases into the intron after coding-DNA position 3346, A replaced by G.
Molecular consequence: intron variant.
Genome position (GRCh38, 1-based): chr13:110,489,792, A>G. VCF-style: chr13-110489792-A-G. GRCh37 (hg19) VCF-style: chr13-111142139-A-G.
Identifiers: ClinVar variation 311160 (VCV000311160.41), dbSNP rs201020737, ClinGen allele CA7050178.
Genomic context (GRCh38, chr13:110,489,792, plus strand): 5'-ATTTACCAGGAAGACCAGGCCTGAAGGGGGAGCGGGGCACCACTGGAATACCAGGTACGC[A>G]AGTTATTTTCCTTGTCTTCATCTTCAACAACAGCCCTGAGCCTTTGTCTAGGAGCCCGAC-3'